The following is an entry in ClinVar:

NM_000038.6(APC):c.835-5372A>C

Gene: APC (APC regulator of Wnt signaling pathway; plus strand). Cytogenetic location: 5q22.2.
Variant type: single nucleotide variant.
Coding change: c.835-5372A>C on transcript NM_000038.6 (MANE Select); 5372 bases into the intron before coding-DNA position 835, A replaced by C.
Molecular consequence: intron variant.
Genome position (GRCh38, 1-based): chr5:112,810,123, A>C. VCF-style: chr5-112810123-A-C. GRCh37 (hg19) VCF-style: chr5-112145820-A-C.
Other names: c.-201-3A>C (NM_001407470.1, NM_001407472.1, NM_001354906.2 and 1 more transcripts); c.835-5372A>C (NM_001407447.1, NM_001354895.2, NM_001407456.1 and 12 more transcripts); c.751-5372A>C (NM_001407452.1, NM_001407469.1, NM_001354899.2 and 1 more transcripts); c.865-5372A>C (NM_001407446.1, NM_001354897.2, NM_001354902.2); c.781-5372A>C (NM_001127511.3); c.658-5372A>C (NM_001407453.1, NM_001354900.2, NM_001354901.2 and 1 more transcripts); c.760-5372A>C (NM_001407451.1, NM_001354898.2, NM_001354904.2).
Identifiers: ClinVar variation 3929675 (VCV003929675.1).

ClinVar aggregate classification (germline): Uncertain significance (1 of 4 stars; one submission).

Conditions:
Hereditary cancer-predisposing syndrome. Also called: Hereditary Cancer Syndrome; Hereditary neoplastic syndrome; Neoplastic Syndromes, Hereditary; Tumor predisposition. Identifiers: Orphanet 140162, MedGen C0027672, MeSH D009386, MONDO:0015356.

Submission:

Ambry Genetics
Classification: Uncertain significance for Hereditary cancer-predisposing syndrome. Last evaluated: 2025-05-30. Review status: criteria provided, single submitter. Criteria: Ambry Variant Classification Scheme 2023. Collection method: clinical testing. Allele origin: germline.
Comment: The c.835-5372A>C intronic variant results from an A to C substitution 5372 nucleotides upstream from coding exon 8 in the APC gene. This nucleotide position is well conserved in available vertebrate species. In silico splice site analysis predicts that this alteration may result in the creation or strengthening of a novel splice acceptor site. RNA studies have demonstrated that this alteration results in a splice defect; the clinical impact of this abnormal splicing is unknown at this time (Ambry internal data). Based on the available evidence, the clinical significance of this variant remains unclear.